The following is an entry in ClinVar:

ClinVar aggregate classification (germline): Conflicting classifications of pathogenicity. Review status: criteria provided, conflicting classifications (1 of 4 stars). 2 submissions from 2 submitters: Uncertain significance (1); Likely benign (1). Last evaluated 2022-07-05.

Allele frequency attached by ClinVar (database versions not stated): gnomAD exomes 0.00001.
gnomAD v4.1: 7 of 1,613,792 alleles (0.00043%); highest among the groups gnomAD compares: Non-Finnish European, 0.00059%; no homozygotes.

Submissions (2):

Labcorp Genetics (formerly Invitae), Labcorp
Classification: Uncertain significance. Last evaluated: 2022-07-05. Review status: criteria provided, single submitter. Criteria: Invitae Variant Classification Sherloc (09022015). Collection method: clinical testing. Allele origin: germline.
Comment: Experimental studies and prediction algorithms are not available or were not evaluated, and the functional significance of this variant is currently unknown. ClinVar contains an entry for this variant (Variation ID: 1489461). This variant has not been reported in the literature in individuals affected with KIZ-related conditions. This variant is not present in population databases (gnomAD no frequency). This sequence change replaces isoleucine, which is neutral and non-polar, with valine, which is neutral and non-polar, at codon 380 of the KIZ protein (p.Ile380Val). In summary, the available evidence is currently insufficient to determine the role of this variant in disease. Therefore, it has been classified as a Variant of Uncertain Significance.

Blueprint Genetics
Classification: Likely benign. Last evaluated: 2018-11-13. Review status: criteria provided, single submitter. Criteria: ACMG Guidelines, 2015. Collection method: clinical testing. Allele origin: germline.

NM_018474.6(KIZ):c.1138A>G (p.Ile380Val)

Gene: KIZ (kizuna centrosomal protein; plus strand). Cytogenetic location: 20p11.23.
Variant type: single nucleotide variant.
Coding change: c.1138A>G on transcript NM_018474.6 (MANE Select); coding-DNA position 1138, A replaced by G.
Protein change: p.Ile380Val; replaces isoleucine 380 with valine.
Molecular consequence: missense variant.
Genome position (GRCh38, 1-based): chr20:21,162,945, A>G. VCF-style: chr20-21162945-A-G. GRCh37 (hg19) VCF-style: chr20-21143586-A-G.
Other names: c.829A>G, p.Ile277Val (NM_001163022.3, NM_001352435.2); c.739A>G, p.Ile247Val (NM_001163023.3); c.991A>G, p.Ile331Val (NM_001276389.2); c.1138A>G, p.Ile380Val (NM_001352434.2); c.796A>G, p.Ile266Val (NM_001352436.2); short protein forms I266V, I380V, I277V, I247V, I331V.
Identifiers: ClinVar variation 1489461 (VCV001489461.7), dbSNP rs2122702014, ClinGen allele CA408493520.